The following is an entry in ClinVar:

NM_001204.7(BMPR2):c.1055_1056del (p.Phe352fs)

Gene: BMPR2 (bone morphogenetic protein receptor type 2; plus strand). Cytogenetic location: 2q33.2.
Variant type: Deletion.
Coding change: c.1055_1056del on transcript NM_001204.7 (MANE Select); coding-DNA positions 1055 to 1056, 2 bases deleted (TT; older notation c.1055_1056delTT).
Protein change: p.Phe352fs; shifts the reading frame from phenylalanine 352.
Molecular consequence: frameshift variant.
Genome position (GRCh38, 1-based): chr2:202,530,881-202,530,882, TT deleted; deleting any 2 consecutive bases within chr2:202,530,880-202,530,882 gives the same sequence; the c. name uses the placement nearest the transcript's 3' end. VCF-style (leftmost placement, unchanged base first): chr2-202530879-CTT-C. GRCh37 (hg19) VCF-style: chr2-203395602-CTT-C.
Other names: short protein forms F352fs.
Identifiers: ClinVar variation 3724382 (VCV003724382.2).

ClinVar aggregate classification (germline): Pathogenic (1 of 4 stars; one submission).

Conditions:
Primary pulmonary hypertension. Also called: Idiopathic pulmonary hypertension. Identifiers: MedGen C0152171.

Submission:

Labcorp Genetics (formerly Invitae), Labcorp
Classification: Pathogenic for Primary pulmonary hypertension. Last evaluated: 2024-12-11. Review status: criteria provided, single submitter. Criteria: Invitae Variant Classification Sherloc (09022015). Collection method: clinical testing. Allele origin: germline.
Comment: This sequence change creates a premature translational stop signal (p.Phe352Trpfs*10) in the BMPR2 gene. It is expected to result in an absent or disrupted protein product. Loss-of-function variants in BMPR2 are known to be pathogenic (PMID: 16429395). This variant is not present in population databases (gnomAD no frequency). This variant has not been reported in the literature in individuals affected with BMPR2-related conditions. For these reasons, this variant has been classified as Pathogenic.

Literature cited by the submitters: PubMed 16429395.